The following is an entry in ClinVar:

ClinVar aggregate classification (germline): Pathogenic (1 of 4 stars; one submission).

Conditions:
Duchenne muscular dystrophy (DMD). Also called: Duchenne Muscular Dystrophy (DMD); MUSCULAR DYSTROPHY, PSEUDOHYPERTROPHIC PROGRESSIVE, DUCHENNE TYPE. Identifiers: Orphanet 98896, MedGen C0013264, MONDO:0010679, OMIM 310200.

Submission:

Labcorp Genetics (formerly Invitae), Labcorp
Classification: Pathogenic for Duchenne muscular dystrophy. Last evaluated: 2022-10-17. Review status: criteria provided, single submitter. Criteria: Invitae Variant Classification Sherloc (09022015). Collection method: clinical testing. Allele origin: germline.
Comment: This variant is a gross deletion of the genomic region encompassing exon(s) 48-55 of the DMD gene. This variant would be expected to be in-frame, preserving the integrity of the reading frame. A similar copy number variant has been observed in individuals with dilated cardiomyopathy and Duchenne or Becker muscular dystrophy (PMID: 21851881, 24928015). The region of the DMD gene that includes exon(s) 48-53 has been determined to be clinically significant (PMID: 10841222, 17854090, 18663755, 19907931). Therefore, deletions that encompass that region are likely to be disease-causing. For these reasons, this variant has been classified as Pathogenic.

Literature cited by the submitters: PubMed 21851881; PubMed 24928015; PubMed 10841222; PubMed 17854090; PubMed 18663755; PubMed 19907931.

NC_000023.10:g.(?_31627738)_(31897527_?)del

Gene: DMD (dystrophin; minus strand). Cytogenetic location: Xp21.1.
Variant type: Deletion.
Identifiers: ClinVar variation 2424840 (VCV002424840.4).